The following is an entry in ClinVar:

NM_020937.4(FANCM):c.5746A>G (p.Lys1916Glu)

Gene: FANCM (FA complementation group M; plus strand). Cytogenetic location: 14q21.2.
Variant type: single nucleotide variant.
Coding change: c.5746A>G on transcript NM_020937.4 (MANE Select); coding-DNA position 5746, A replaced by G.
Protein change: p.Lys1916Glu; replaces lysine 1916 with glutamic acid.
Molecular consequence: missense variant.
Genome position (GRCh38, 1-based): chr14:45,198,673, A>G. VCF-style: chr14-45198673-A-G. GRCh37 (hg19) VCF-style: chr14-45667876-A-G.
Other names: c.5668A>G, p.Lys1890Glu (NM_001308133.2); short protein forms K1916E, K1890E.
Identifiers: ClinVar variation 3848766 (VCV003848766.1).

ClinVar aggregate classification (germline): Uncertain significance (1 of 4 stars; one submission).

Conditions:
Inborn genetic diseases. Identifiers: MedGen C0950123, MeSH D030342.

Submission:

Ambry Genetics
Classification: Uncertain significance for Inborn genetic diseases. Last evaluated: 2025-02-26. Review status: criteria provided, single submitter. Criteria: Ambry Variant Classification Scheme 2023. Collection method: clinical testing. Allele origin: germline.
Comment: The p.K1916E variant (also known as c.5746A>G), located in coding exon 22 of the FANCM gene, results from an A to G substitution at nucleotide position 5746. The lysine at codon 1916 is replaced by glutamic acid, an amino acid with similar properties. This amino acid position is conserved. In addition, this alteration is predicted to be tolerated by in silico analysis. Based on the available evidence, the clinical significance of this variant remains unclear.